The following is an entry in ClinVar:

NM_006019.4(TCIRG1):c.104T>C (p.Val35Ala)

Gene: TCIRG1 (T cell immune regulator 1, ATPase H+ transporting V0 subunit a3; plus strand). Cytogenetic location: 11q13.2.
Variant type: single nucleotide variant.
Coding change: c.104T>C on transcript NM_006019.4 (MANE Select); coding-DNA position 104, T replaced by C.
Protein change: p.Val35Ala; replaces valine 35 with alanine.
Molecular consequence: missense variant. On other transcripts: 5 prime UTR variant (1).
Genome position (GRCh38, 1-based): chr11:68,041,375, T>C. VCF-style: chr11-68041375-T-C. GRCh37 (hg19) VCF-style: chr11-67808842-T-C.
Other names: c.-1146T>C (NM_001351059.2); short protein forms V35A.
Identifiers: ClinVar variation 3707941 (VCV003707941.2).

ClinVar aggregate classification (germline): Uncertain significance (1 of 4 stars; one submission).

Submission:

Labcorp Genetics (formerly Invitae), Labcorp
Classification: Uncertain significance. Last evaluated: 2025-02-17. Review status: criteria provided, single submitter. Criteria: Invitae Variant Classification Sherloc (09022015). Collection method: clinical testing. Allele origin: germline.
Comment: This sequence change replaces valine, which is neutral and non-polar, with alanine, which is neutral and non-polar, at codon 35 of the TCIRG1 protein (p.Val35Ala). This variant is not present in population databases (gnomAD no frequency). This variant has not been reported in the literature in individuals affected with TCIRG1-related conditions. Invitae Evidence Modeling of protein sequence and biophysical properties (such as structural, functional, and spatial information, amino acid conservation, physicochemical variation, residue mobility, and thermodynamic stability) indicates that this missense variant is not expected to disrupt TCIRG1 protein function with a negative predictive value of 80%. In summary, the available evidence is currently insufficient to determine the role of this variant in disease. Therefore, it has been classified as a Variant of Uncertain Significance.